The following is an entry in ClinVar:

NM_145207.3(AFG2A):c.398C>T (p.Pro133Leu)

Gene: AFG2A (AAA ATPase AFG2A; plus strand). Cytogenetic location: 4q28.1.
Variant type: single nucleotide variant.
Coding change: c.398C>T on transcript NM_145207.3 (MANE Select); coding-DNA position 398, C replaced by T.
Protein change: p.Pro133Leu; replaces proline 133 with leucine.
Molecular consequence: missense variant.
Genome position (GRCh38, 1-based): chr4:122,929,149, C>T. VCF-style: chr4-122929149-C-T. GRCh37 (hg19) VCF-style: chr4-123850304-C-T.
Other names: c.395C>T, p.Pro132Leu (NM_001317799.2, NM_001345856.2); short protein forms P133L, P132L.
Identifiers: ClinVar variation 1039046 (VCV001039046.4), dbSNP rs756965142, ClinGen allele CA3070199.
Genomic context (GRCh38, chr4:122,929,149, plus strand): 5'-TGAGTGAAATGGCACAGAAAAATGTGGGTGTGAGGCCTGGTGATGCCATCCAGGTCCAGC[C>T]TCTTGTGGGTGCTGTGCTACAGGCTGAGGAAATGGATGTGGCACTGAGGTTTGGCTCTTT-3'
Protein context (NP_660208.2, residues 123-143): VRPGDAIQVQ[Pro133Leu]LVGAVLQAEE

ClinVar aggregate classification (germline): Uncertain significance. Review status: criteria provided, multiple submitters, no conflicts (2 of 4 stars). 3 submissions from 3 submitters: Uncertain significance (3). Last evaluated 2024-11-19.

Conditions:
Microcephaly-intellectual disability-sensorineural hearing loss-epilepsy-abnormal muscle tone syndrome (NEDHSB). Also called: NEURODEVELOPMENTAL DISORDER WITH HEARING LOSS, SEIZURES, AND BRAIN ABNORMALITIES. Identifiers: Orphanet 457351, MedGen C4225276, MONDO:0014698, OMIM 616577.

Allele frequency attached by ClinVar (database versions not stated): ExAC 0.00002; gnomAD 0.00002; gnomAD exomes 0.00002; TOPMed 0.00002.
gnomAD v4.1: 26 of 1,612,730 alleles (0.0016%); highest among the groups gnomAD compares: Non-Finnish European, 0.0017%; no homozygotes.

Submissions (3):

Blueprint Genetics
Classification: Uncertain significance. Last evaluated: 2024-11-19. Review status: criteria provided, single submitter. Criteria: ACMG Guidelines, 2015. Collection method: clinical testing. Allele origin: germline.

Labcorp Genetics (formerly Invitae), Labcorp
Classification: Uncertain significance for Microcephaly-intellectual disability-sensorineural hearing loss-epilepsy-abnormal muscle tone syndrome. Last evaluated: 2022-06-17. Review status: criteria provided, single submitter. Criteria: Invitae Variant Classification Sherloc (09022015). Collection method: clinical testing. Allele origin: germline.
Comment: This sequence change replaces proline, which is neutral and non-polar, with leucine, which is neutral and non-polar, at codon 133 of the SPATA5 protein (p.Pro133Leu). This variant is present in population databases (rs756965142, gnomAD 0.04%). This variant has not been reported in the literature in individuals affected with SPATA5-related conditions. ClinVar contains an entry for this variant (Variation ID: 1039046). Advanced modeling of protein sequence and biophysical properties (such as structural, functional, and spatial information, amino acid conservation, physicochemical variation, residue mobility, and thermodynamic stability) performed at Invitae indicates that this missense variant is expected to disrupt SPATA5 protein function. In summary, the available evidence is currently insufficient to determine the role of this variant in disease. Therefore, it has been classified as a Variant of Uncertain Significance.

Fulgent Genetics
Classification: Uncertain significance for Microcephaly-intellectual disability-sensorineural hearing loss-epilepsy-abnormal muscle tone syndrome. Last evaluated: 2022-03-01. Review status: criteria provided, single submitter. Criteria: ACMG Guidelines, 2015. Collection method: clinical testing. Allele origin: unknown.